The following is an entry in ClinVar:

ClinVar aggregate classification (germline): Pathogenic (1 of 4 stars; one submission).

Conditions:
Gorlin syndrome. Also called: Basal cell nevus syndrome; Nevoid Basal Cell Carcinoma Syndrome. Identifiers: Orphanet 377, MedGen C0004779, MONDO:0007187.
Medulloblastoma (MDB). Also called: Medulloblastoma, somatic; MEDULLOBLASTOMA PREDISPOSITION SYNDROME. Identifiers: Orphanet 616, MedGen C0025149, MeSH D008527, MONDO:0007959, OMIM 155255, HP:0002885.

Submission:

Labcorp Genetics (formerly Invitae), Labcorp
Classification: Pathogenic for Gorlin syndrome; Medulloblastoma. Last evaluated: 2023-06-30. Review status: criteria provided, single submitter. Criteria: Invitae Variant Classification Sherloc (09022015). Collection method: clinical testing. Allele origin: unknown.
Comment: For these reasons, this variant has been classified as Pathogenic. This variant has not been reported in the literature in individuals affected with SUFU-related conditions. This variant is a gross deletion of the genomic region encompassing exon(s) 10 of the SUFU gene. This deletion is out-of-frame, and is expected to create a premature termination codon and result in an absent or disrupted protein product. Loss-of-function variants in SUFU are known to be pathogenic (PMID: 22508808, 25403219, 33024317).

Literature cited by the submitters: PubMed 22508808; PubMed 25403219; PubMed 33024317.

NC_000010.10:g.(?_104376609)_(104386730_?)del

Gene: SUFU (SUFU negative regulator of hedgehog signaling; plus strand). Cytogenetic location: 10q24.32.
Variant type: Deletion.
Identifiers: ClinVar variation 3244798 (VCV003244798.1).